The following is an entry in ClinVar:

ClinVar aggregate classification (germline): Uncertain significance. Review status: criteria provided, multiple submitters, no conflicts (2 of 4 stars). 2 submissions from 2 submitters: Uncertain significance (2). Last evaluated 2026-07-02.

Conditions:
Inborn genetic diseases. Identifiers: MedGen C0950123, MeSH D030342.

Allele frequency attached by ClinVar (database versions not stated): ExAC 0.00001; gnomAD exomes 0.00001.
gnomAD v4.1: 5 of 1,614,246 alleles (0.00031%); highest among the groups gnomAD compares: African/African-American, 0.0027%; no homozygotes.

Submissions (2):

Ambry Genetics
Classification: Uncertain significance for Inborn genetic diseases. Last evaluated: 2026-07-02. Review status: criteria provided, single submitter. Criteria: Ambry Variant Classification Scheme 2023. Collection method: clinical testing. Allele origin: germline.
Comment: The p.H149Y variant (also known as c.445C>T), located in coding exon 4 of the ETV6 gene, results from a C to T substitution at nucleotide position 445. The histidine at codon 149 is replaced by tyrosine, an amino acid with similar properties. This amino acid position is conserved. In addition, this alteration is predicted to be tolerated by in silico analysis. Based on the available evidence, the clinical significance of this variant remains unclear.

CeGaT Center for Human Genetics Tuebingen
Classification: Uncertain significance. Last evaluated: 2022-02-01. Review status: criteria provided, single submitter. Criteria: CeGaT Center For Human Genetics Tuebingen Variant Classification Criteria Version 2. Collection method: clinical testing. Allele origin: germline. Affected: yes. Observed: 1 variant allele.

NM_001987.5(ETV6):c.445C>T (p.His149Tyr)

Gene: ETV6 (ETS variant transcription factor 6; plus strand). Cytogenetic location: 12p13.2.
Variant type: single nucleotide variant.
Coding change: c.445C>T on transcript NM_001987.5 (MANE Select); coding-DNA position 445, C replaced by T.
Protein change: p.His149Tyr; replaces histidine 149 with tyrosine.
Molecular consequence: missense variant.
Genome position (GRCh38, 1-based): chr12:11,853,543, C>T. VCF-style: chr12-11853543-C-T. GRCh37 (hg19) VCF-style: chr12-12006477-C-T.
Other names: c.445C>T (NM_001987.4); short protein forms H149Y.
Identifiers: ClinVar variation 1675483 (VCV001675483.34), dbSNP rs764162273, ClinGen allele CA6454238.